The following is an entry in ClinVar:

ClinVar aggregate classification (germline): Uncertain significance (1 of 4 stars; one submission).

gnomAD v4.1: 1 of 1,613,946 alleles (0.000062%); no homozygotes.

Submission:

Women's Health and Genetics/Laboratory Corporation of America, LabCorp
Classification: Uncertain significance. Last evaluated: 2022-08-29. Review status: criteria provided, single submitter. Criteria: LabCorp Variant Classification Summary - May 2015. Collection method: clinical testing. Allele origin: germline.
Comment: Variant summary: RYR2 c.596G>A (p.Gly199Asp) results in a non-conservative amino acid change located in the Inositol 1,4,5-trisphosphate/ryanodine receptor domain (IPR014821) of the encoded protein sequence. Three of four in-silico tools predict a damaging effect of the variant on protein function. The variant allele was found at a frequency of 4e-06 in 249210 control chromosomes (gnomAD). The available data on variant occurrences in the general population are insufficient to allow any conclusion about variant significance. To our knowledge, no occurrence of c.596G>A in individuals affected with Catecholaminergic Polymorphic Ventricular Tachycardia and no experimental evidence demonstrating its impact on protein function have been reported. No clinical diagnostic laboratories have submitted clinical-significance assessments for this variant to ClinVar after 2014. Based on the evidence outlined above, the variant was classified as uncertain significance.

NM_001035.3(RYR2):c.596G>A (p.Gly199Asp)

Gene: RYR2 (ryanodine receptor 2; plus strand). Cytogenetic location: 1q43.
Variant type: single nucleotide variant.
Coding change: c.596G>A on transcript NM_001035.3 (MANE Select); coding-DNA position 596, G replaced by A.
Protein change: p.Gly199Asp; replaces glycine 199 with aspartic acid.
Molecular consequence: missense variant.
Genome position (GRCh38, 1-based): chr1:237,387,300, G>A. VCF-style: chr1-237387300-G-A. GRCh37 (hg19) VCF-style: chr1-237550600-G-A.
Other names: short protein forms G199D.
Identifiers: ClinVar variation 1705232 (VCV001705232.1), dbSNP rs754911836, ClinGen allele CA345377216.